The following is an entry in ClinVar:

ClinVar aggregate classification (germline): Pathogenic (1 of 4 stars; one submission).

Conditions:
X-linked Alport syndrome (ATS1). Also called: NEPHROPATHY AND DEAFNESS, X-LINKED; COL4A5-Related Nephropathy. Identifiers: Orphanet 63, Orphanet 88917, MedGen C4746986, MONDO:0010520, OMIM 301050.

Submission:

Laboratory of Medical Genetics, National & Kapodistrian University of Athens
Classification: Pathogenic for X-linked Alport syndrome. Last evaluated: 2021-08-10. Review status: criteria provided, single submitter. Criteria: ACMG Guidelines, 2015. Collection method: clinical testing. Allele origin: unknown. Affected: yes.
Comment: PVS1, PM2, PP3

Literature cited by the submitters: PubMed 34008892.

NM_033380.3(COL4A5):c.845dup (p.Gly283fs)

Gene: COL4A5 (collagen type IV alpha 5 chain; plus strand). Cytogenetic location: Xq22.3.
Variant type: Duplication.
Coding change: c.845dup on transcript NM_033380.3 (MANE Select); coding-DNA position 845, one base duplicated (G; older notation c.845dupG).
Protein change: p.Gly283fs; shifts the reading frame from glycine 283.
Molecular consequence: frameshift variant.
Genome position (GRCh38, 1-based): chrX:108,580,692, G duplicated; the last of 2 consecutive G bases (chrX:108,580,691-108,580,692); duplicating either gives the same sequence. VCF-style (leftmost placement, unchanged base first): chrX-108580690-A-AG. GRCh37 (hg19) VCF-style: chrX-107823920-A-AG.
Other names: c.845dup, p.Gly283fs (NM_000495.5); c.845dupG (NM_000495.5); short protein forms G283fs.
Identifiers: ClinVar variation 1299555 (VCV001299555.1), dbSNP rs2147776527, ClinGen allele CA2499226301.